The following is an entry in ClinVar:

ClinVar aggregate classification (germline): Conflicting classifications of pathogenicity. Review status: criteria provided, conflicting classifications (1 of 4 stars). 4 submissions from 4 submitters: Uncertain significance (2); Likely benign (2). Last evaluated 2025-08-20.

Conditions:
Familial thoracic aortic aneurysm and aortic dissection (TAAD). Also called: Thoracic aortic aneurysms and dissections. Identifiers: Orphanet 91387, MedGen C4707243, MONDO:0019625.
Marfan syndrome (MFS). Also called: FBN1-Related Marfan Syndrome; Marfan syndrome type 1; Marfan's syndrome; Marfan syndrome, classic; MARFAN SYNDROME, TYPE I. Identifiers: Orphanet 284963, Orphanet 558, MedGen C0024796, MONDO:0007947, OMIM 154700.

Allele frequency attached by ClinVar (database versions not stated): gnomAD 0.00002; ESP Exome Variant Server 0.00015; ExAC 0.00002; gnomAD exomes 0.00001; TOPMed 0.00002.
gnomAD v4.1: 11 of 1,610,522 alleles (0.00068%); highest among the groups gnomAD compares: Non-Finnish European, 0.00093%; no homozygotes.

Submissions (4):

Color Diagnostics, LLC DBA Color Health
Classification: Likely benign for Familial thoracic aortic aneurysm and aortic dissection. Last evaluated: 2025-08-20. Review status: criteria provided, single submitter. Criteria: ACMG Guidelines, 2015. Collection method: clinical testing. Allele origin: germline.

GeneDx
Classification: Uncertain significance. Last evaluated: 2025-07-28. Review status: criteria provided, single submitter. Criteria: GeneDx Variant Classification Process June 2021. Collection method: clinical testing. Allele origin: germline. Affected: yes.
Comment: Has not been previously published as pathogenic or benign to our knowledge; Not observed at significant frequency in large population cohorts (gnomAD); In silico analysis supports that this missense variant has a deleterious effect on protein structure/function; This variant is associated with the following publications: (PMID: 12938084)

Labcorp Genetics (formerly Invitae), Labcorp
Classification: Likely benign for Marfan syndrome; Familial thoracic aortic aneurysm and aortic dissection. Last evaluated: 2025-02-10. Review status: criteria provided, single submitter. Criteria: Invitae Variant Classification Sherloc (09022015). Collection method: clinical testing. Allele origin: germline.

All of Us Research Program, National Institutes of Health
Classification: Uncertain significance for Marfan syndrome. Last evaluated: 2024-01-11. Review status: criteria provided, single submitter. Criteria: ACMG Guidelines, 2015. Collection method: clinical testing. Allele origin: germline. Inheritance: Autosomal dominant inheritance. Observed: 3 variant alleles, 3 heterozygotes.
Comment: Variant of Uncertain Significance due to insufficient evidence: This variant is a missense variant located in the signal peptide domain of the FBN1 protein. Computational prediction tools and conservation analyses suggest that this variant may not impact the protein function. Computational splicing tools suggest that this variant may not impact the RNA splicing. To our knowledge, functional assays have not been performed for this variant nor has the variant been reported in individuals affected with cardiovascular disease in the literature. This variant is rare in the general population and has been identified in 3/240402 chromosomes by the Genome Aggregation Database (gnomAD). Available evidence is insufficient to determine the pathogenicity of this variant conclusively.

This study involves interpretation of variants in research participants for the purpose of population health screening. Participant phenotype was not available at the time of variant classification. Additional details can be found in publication PMID: 35346344, PMCID: PMC8962531

NM_000138.5(FBN1):c.8G>C (p.Arg3Pro)

Gene: FBN1 (fibrillin 1; minus strand). Cytogenetic location: 15q21.1.
Variant type: single nucleotide variant.
Coding change: c.8G>C on transcript NM_000138.5 (MANE Select); coding-DNA position 8, G replaced by C.
Protein change: p.Arg3Pro; replaces arginine 3 with proline.
Molecular consequence: missense variant.
Genome position (GRCh38, 1-based): chr15:48,644,762, C>G on the plus strand (G>C on the coding strand, the complement: FBN1 is on the minus strand). VCF-style: chr15-48644762-C-G. GRCh37 (hg19) VCF-style: chr15-48936959-C-G.
Other names: short protein forms R3P.
Identifiers: ClinVar variation 628807 (VCV000628807.19), dbSNP rs149929989, ClinGen allele CA060335.